The following is an entry in ClinVar:

ClinVar aggregate classification (germline): Uncertain significance (1 of 4 stars; one submission).

Allele frequency attached by ClinVar (database versions not stated): gnomAD exomes below 0.00001; TOPMed below 0.00001; gnomAD 0.00001.
gnomAD v4.1: 4 of 1,611,704 alleles (0.00025%); highest among the groups gnomAD compares: Non-Finnish European, 0.00034%; no homozygotes.

Submission:

Labcorp Genetics (formerly Invitae), Labcorp
Classification: Uncertain significance. Last evaluated: 2023-09-11. Review status: criteria provided, single submitter. Criteria: Invitae Variant Classification Sherloc (09022015). Collection method: clinical testing. Allele origin: germline.
Comment: In summary, the available evidence is currently insufficient to determine the role of this variant in disease. Therefore, it has been classified as a Variant of Uncertain Significance. Advanced modeling of protein sequence and biophysical properties (such as structural, functional, and spatial information, amino acid conservation, physicochemical variation, residue mobility, and thermodynamic stability) performed at Invitae indicates that this missense variant is not expected to disrupt MYO6 protein function. This variant has not been reported in the literature in individuals affected with MYO6-related conditions. This variant is not present in population databases (gnomAD no frequency). This sequence change replaces phenylalanine, which is neutral and non-polar, with leucine, which is neutral and non-polar, at codon 751 of the MYO6 protein (p.Phe751Leu).

NM_004999.4(MYO6):c.2253T>G (p.Phe751Leu)

Gene: MYO6 (myosin VI; plus strand). Cytogenetic location: 6q14.1.
Variant type: single nucleotide variant.
Coding change: c.2253T>G on transcript NM_004999.4 (MANE Select); coding-DNA position 2253, T replaced by G.
Protein change: p.Phe751Leu; replaces phenylalanine 751 with leucine.
Molecular consequence: missense variant. On other transcripts: non-coding transcript variant (1).
Genome position (GRCh38, 1-based): chr6:75,880,087, T>G. VCF-style: chr6-75880087-T-G. GRCh37 (hg19) VCF-style: chr6-76589804-T-G.
Other names: c.2253T>G, p.Phe751Leu (NM_001300899.2, NM_001368136.1, NM_001368137.1 and 2 more transcripts); c.2238T>G, p.Phe746Leu (NM_001368138.1); short protein forms F746L, F751L.
Identifiers: ClinVar variation 2989906 (VCV002989906.1), dbSNP rs1303570886, ClinGen allele CA364773230.